The following is an entry in ClinVar:

NM_025179.4(PLXNA2):c.2607G>A (p.Pro869=)

Gene: PLXNA2 (plexin A2; minus strand). Cytogenetic location: 1q32.2.
Variant type: single nucleotide variant.
Coding change: c.2607G>A on transcript NM_025179.4 (MANE Select); coding-DNA position 2607, G replaced by A.
Protein change: p.Pro869=; no amino-acid change (proline 869 retained).
Molecular consequence: synonymous variant.
Genome position (GRCh38, 1-based): chr1:208,060,817, C>T on the plus strand (G>A on the coding strand, the complement: PLXNA2 is on the minus strand). VCF-style: chr1-208060817-C-T. GRCh37 (hg19) VCF-style: chr1-208234162-C-T.
Other names: c.2607G>A (NM_025179.3).
Identifiers: ClinVar variation 2979423 (VCV002979423.5), dbSNP rs570578403, ClinGen allele CA1373455.

ClinVar aggregate classification (germline): Likely benign. Review status: criteria provided, single submitter (1 of 4 stars). 2 submissions from 2 submitters: Likely benign (1). 1 of the submissions does not count toward it. Last evaluated 2023-04-09.

Conditions:
PLXNA2-related disorder. Also called: PLXNA2-related condition.

Allele frequency attached by ClinVar (database versions not stated): gnomAD exomes 0.00004; TOPMed 0.00008; ExAC 0.00009; gnomAD 0.00009; 1000 Genomes Project 30x 0.00031; 1000 Genomes Project 0.00040.
gnomAD v4.1: 67 of 1,613,896 alleles (0.0042%); highest among the groups gnomAD compares: African/African-American, 0.021%; no homozygotes.

Submissions (2):

Labcorp Genetics (formerly Invitae), Labcorp
Classification: Likely benign. Last evaluated: 2023-04-09. Review status: criteria provided, single submitter. Criteria: Invitae Variant Classification Sherloc (09022015). Collection method: clinical testing. Allele origin: germline.

PreventionGenetics, part of Exact Sciences
Classification: Likely benign for PLXNA2-related condition. Last evaluated: 2022-05-31. Review status: no assertion criteria provided. Collection method: clinical testing. Allele origin: germline. Not counted in ClinVar's aggregate classification.
Comment: This variant is classified as likely benign based on ACMG/AMP sequence variant interpretation guidelines (Richards et al. 2015 PMID: 25741868, with internal and published modifications).